The following is an entry in ClinVar:

NM_004168.4(SDHA):c.1741G>A (p.Gly581Arg)

Gene: SDHA (succinate dehydrogenase complex flavoprotein subunit A; plus strand). Cytogenetic location: 5p15.33.
Variant type: single nucleotide variant.
Coding change: c.1741G>A on transcript NM_004168.4 (MANE Select); coding-DNA position 1741, G replaced by A.
Protein change: p.Gly581Arg; replaces glycine 581 with arginine.
Molecular consequence: missense variant. On other transcripts: intron variant (1).
Genome position (GRCh38, 1-based): chr5:251,415, G>A. VCF-style: chr5-251415-G-A. GRCh37 (hg19) VCF-style: chr5-251530-G-A.
Other names: c.1597G>A, p.Gly533Arg (NM_001294332.2); c.1552-2978G>A (NM_001330758.2); short protein forms G581R, G533R.
Identifiers: ClinVar variation 571817 (VCV000571817.29), dbSNP rs771111180, ClinGen allele CA3173346.

ClinVar aggregate classification (germline): Conflicting classifications of pathogenicity. Review status: criteria provided, conflicting classifications (1 of 4 stars). 6 submissions from 6 submitters: Likely pathogenic (4); Uncertain significance (2). Last evaluated 2025-11-18.

Conditions:
Pheochromocytoma/paraganglioma syndrome 5. Also called: Paragangliomas 5; SDHA-Related Hereditary Paraganglioma-Pheochromocytoma Syndrome. Identifiers: Orphanet 29072, MedGen C3279992, MONDO:0013602, OMIM 614165.
Mitochondrial complex II deficiency, nuclear type 1. Also called: SUCCINATE CoQ REDUCTASE DEFICIENCY. Identifiers: Orphanet 3208, MedGen C5700310, MONDO:0100294, OMIM 252011.
Hereditary cancer-predisposing syndrome. Also called: Neoplastic Syndromes, Hereditary; Tumor predisposition; Hereditary neoplastic syndrome; Hereditary Cancer Syndrome. Identifiers: Orphanet 140162, MedGen C0027672, MeSH D009386, MONDO:0015356.
Gastrointestinal stromal tumor. Also called: Gastrointestinal stroma tumor; Gastrointestinal stromal tumor, somatic. Identifiers: Orphanet 44890, MedGen C0238198, MeSH D046152, MONDO:0011719, OMIM 606764, HP:0100723.
Dilated cardiomyopathy 1GG (CMD1GG). Identifiers: Orphanet 154, MedGen C3150898, MONDO:0013339, OMIM 613642.

Allele frequency attached by ClinVar (database versions not stated): gnomAD exomes below 0.00001 and 0.00001; ExAC 0.00001; gnomAD 0.00001 and 0.00003; TOPMed 0.00001.
gnomAD v4.1: 15 of 1,613,794 alleles (0.00093%); highest among the groups gnomAD compares: African/African-American, 0.0013%; no homozygotes.

Submissions (6):

Labcorp Genetics (formerly Invitae), Labcorp
Classification: Likely pathogenic for Pheochromocytoma/paraganglioma syndrome 5; Mitochondrial complex II deficiency, nuclear type 1. Last evaluated: 2025-11-18. Review status: criteria provided, single submitter. Criteria: Invitae Variant Classification Sherloc (09022015). Collection method: clinical testing. Allele origin: germline.
Comment: This sequence change replaces glycine, which is neutral and non-polar, with arginine, which is basic and polar, at codon 581 of the SDHA protein (p.Gly581Arg). This variant is present in population databases (rs771111180, gnomAD 0.0009%). This missense change has been observed in individuals with paraganglioma (PMID: 30877234; internal data). ClinVar contains an entry for this variant (Variation ID: 571817). Invitae Evidence Modeling of protein sequence and biophysical properties (such as structural, functional, and spatial information, amino acid conservation, physicochemical variation, residue mobility, and thermodynamic stability) indicates that this missense variant is not expected to disrupt SDHA protein function with a negative predictive value of 95%. Experimental studies have shown that this missense change affects SDHA function (PMID: 39321216). In summary, the currently available evidence indicates that the variant is pathogenic, but additional data are needed to prove that conclusively. Therefore, this variant has been classified as Likely Pathogenic.

Ambry Genetics
Classification: Likely pathogenic for Hereditary cancer-predisposing syndrome. Last evaluated: 2025-07-17. Review status: criteria provided, single submitter. Criteria: Ambry Variant Classification Scheme 2023. Collection method: clinical testing. Allele origin: germline.
Comment: The p.G581R variant (also known as c.1741G>A), located in coding exon 13 of the SDHA gene, results from a G to A substitution at nucleotide position 1741. The glycine at codon 581 is replaced by arginine, an amino acid with dissimilar properties. This variant was reported in individuals with features consistent with SDHA-related paraganglioma-pheochromocytoma syndrome (Ben Aim L et al. J Med Genet, 2019 Aug;56:513-520; Pantaleo MA et al. Front Oncol, 2021 Jan;11:778461; Ambry internal data). This variant is considered to be rare based on population cohorts in the Genome Aggregation Database (gnomAD). Based on internal structural analysis, this variant is highly destabilizing to the local structure (Ambry internal data). This amino acid position is well conserved in available vertebrate species. In addition, this alteration is predicted to be deleterious by in silico analysis. Based on the majority of available evidence to date, this variant is likely to be pathogenic.

Myriad Genetics, Inc.
Classification: Likely pathogenic for Pheochromocytoma/paraganglioma syndrome 5. Last evaluated: 2025-03-31. Review status: criteria provided, single submitter. Criteria: Myriad Autosomal Dominant, Autosomal Recessive and X-Linked Classification Criteria (2023). Collection method: clinical testing. Allele origin: unknown.
Comment: This variant is considered likely pathogenic. This variant has been reported in multiple individuals with clinical features of gene-specific disease [PMID: 30877234, personal communication 2024]. This variant is expected to disrupt protein structure [Myriad internal data].

Baylor Genetics
Classification: Uncertain significance for Dilated cardiomyopathy 1GG. Last evaluated: 2024-01-04. Review status: criteria provided, single submitter. Criteria: ACMG Guidelines, 2015. Collection method: clinical testing. Allele origin: unknown.

GeneDx
Classification: Uncertain significance. Last evaluated: 2023-12-23. Review status: criteria provided, single submitter. Criteria: GeneDx Variant Classification Process June 2021. Collection method: clinical testing. Allele origin: germline. Affected: yes.
Comment: Not observed at significant frequency in large population cohorts (gnomAD); In silico analysis supports that this missense variant has a deleterious effect on protein structure/function; This variant is associated with the following publications: (PMID: 35059314, 30877234)

“Giorgio Prodi” Cancer Research Center, University of Bologna
Classification: Likely pathogenic for Gastrointestinal stromal tumor. Last evaluated: 2021-10-01. Review status: criteria provided, single submitter. Criteria: ACMG Guidelines, 2015. Collection method: research. Allele origin: somatic. Affected: yes. Observed: 1 variant allele.

Literature cited by the submitters: PubMed 30877234 (cited by 3 submitters); PubMed 39321216 (cited by Labcorp Genetics (formerly Invitae), Labcorp); PubMed 35059314 (cited by Ambry Genetics).